The following is an entry in ClinVar:

NM_001367823.1(ARHGEF18):c.3854G>A (p.Arg1285Gln)

Gene: ARHGEF18 (Rho/Rac guanine nucleotide exchange factor 18; plus strand). Cytogenetic location: 19p13.2.
Variant type: single nucleotide variant.
Coding change: c.3854G>A on transcript NM_001367823.1 (MANE Select); coding-DNA position 3854, G replaced by A.
Protein change: p.Arg1285Gln; replaces arginine 1285 with glutamine.
Molecular consequence: missense variant.
Genome position (GRCh38, 1-based): chr19:7,469,970, G>A. VCF-style: chr19-7469970-G-A. GRCh37 (hg19) VCF-style: chr19-7534856-G-A.
Other names: c.3290G>A (NM_001130955.1); c.3128G>A, p.Arg1043Gln (NM_001130955.2); c.2816G>A, p.Arg939Gln (NM_001367824.1, NM_015318.4); short protein forms R1285Q, R1043Q, R939Q.
Identifiers: ClinVar variation 1038351 (VCV001038351.12), dbSNP rs200686455, ClinGen allele CA9137265.

ClinVar aggregate classification (germline): Uncertain significance. Review status: criteria provided, multiple submitters, no conflicts (2 of 4 stars). 3 submissions from 3 submitters: Uncertain significance (3). Last evaluated 2025-10-15.

Conditions:
Inborn genetic diseases. Identifiers: MedGen C0950123, MeSH D030342.

Allele frequency attached by ClinVar (database versions not stated): gnomAD exomes 0.00001 and 0.00004; gnomAD 0.00003 and 0.00004; TOPMed 0.00004; ExAC 0.00005.
gnomAD v4.1: 32 of 1,612,970 alleles (0.002%); highest among the groups gnomAD compares: East Asian, 0.0089%; no homozygotes.

Submissions (3):

Ambry Genetics
Classification: Uncertain significance for Inborn genetic diseases. Last evaluated: 2025-10-15. Review status: criteria provided, single submitter. Criteria: Ambry Variant Classification Scheme 2023. Collection method: clinical testing. Allele origin: germline.

Blueprint Genetics
Classification: Uncertain significance. Last evaluated: 2024-11-04. Review status: criteria provided, single submitter. Criteria: ACMG Guidelines, 2015. Collection method: clinical testing. Allele origin: germline.

Labcorp Genetics (formerly Invitae), Labcorp
Classification: Uncertain significance. Last evaluated: 2022-09-01. Review status: criteria provided, single submitter. Criteria: Invitae Variant Classification Sherloc (09022015). Collection method: clinical testing. Allele origin: germline.
Comment: In summary, the available evidence is currently insufficient to determine the role of this variant in disease. Therefore, it has been classified as a Variant of Uncertain Significance. Algorithms developed to predict the effect of missense changes on protein structure and function are either unavailable or do not agree on the potential impact of this missense change (SIFT: "Deleterious"; PolyPhen-2: "Possibly Damaging"; Align-GVGD: "Class C0"). ClinVar contains an entry for this variant (Variation ID: 1038351). This variant has not been reported in the literature in individuals affected with ARHGEF18-related conditions. This variant is present in population databases (rs200686455, gnomAD 0.01%). This sequence change replaces arginine, which is basic and polar, with glutamine, which is neutral and polar, at codon 1097 of the ARHGEF18 protein (p.Arg1097Gln).